The following is an entry in ClinVar:

NM_000539.3(RHO):c.266G>A (p.Gly89Asp)

Gene: RHO (rhodopsin; plus strand). Cytogenetic location: 3q22.1.
Variant type: single nucleotide variant.
Coding change: c.266G>A on transcript NM_000539.3 (MANE Select); coding-DNA position 266, G replaced by A.
Protein change: p.Gly89Asp; replaces glycine 89 with aspartic acid.
Molecular consequence: missense variant.
Genome position (GRCh38, 1-based): chr3:129,528,999, G>A. VCF-style: chr3-129528999-G-A. GRCh37 (hg19) VCF-style: chr3-129247842-G-A.
Other names: short protein forms G89D.
Identifiers: ClinVar variation 13021 (VCV000013021.41), dbSNP rs104893772, ClinGen allele CA256668.

ClinVar aggregate classification (germline): Pathogenic. Review status: criteria provided, multiple submitters, no conflicts (2 of 4 stars). 8 submissions from 8 submitters: Pathogenic (6). 2 of the submissions do not count toward it. Last evaluated 2025-04-17.

Conditions:
RHO-related disorder. Also called: RHO-related condition.
Retinal dystrophy. Also called: Inherited retinal dystrophy. Identifiers: Orphanet 71862, MedGen C0854723, MeSH D058499, MONDO:0019118, HP:0000556.
Retinitis pigmentosa (RP). Identifiers: Orphanet 791, MedGen C0035334, MeSH D012174, MONDO:0019200, OMIM 268000. Inheritance: Autosomal dominant, autosomal recessive and X linked inheritance.
Pigmentary retinal dystrophy. Also called: Fundus albipunctatus. Identifiers: Orphanet 227796, Orphanet 52427, MedGen C0311338, MONDO:0007639, OMIM 136880, HP:0030642.
Retinitis pigmentosa 4 (RP4). Also called: RETINITIS PIGMENTOSA, RHODOPSIN-RELATED. Identifiers: Orphanet 791, MedGen C3151001, MONDO:0013395, OMIM 613731.

Submissions (8):

Labcorp Genetics (formerly Invitae), Labcorp
Classification: Pathogenic. Last evaluated: 2025-04-17. Review status: criteria provided, single submitter. Criteria: Invitae Variant Classification Sherloc (09022015). Collection method: clinical testing. Allele origin: germline.
Comment: This sequence change replaces glycine, which is neutral and non-polar, with aspartic acid, which is acidic and polar, at codon 89 of the RHO protein (p.Gly89Asp). This variant is not present in population databases (gnomAD no frequency). This missense change has been observed in individuals with autosomal dominant retinitis pigmentosa (PMID: 1833777, 1862076, 10967073). It has also been observed to segregate with disease in related individuals. ClinVar contains an entry for this variant (Variation ID: 13021). Invitae Evidence Modeling of protein sequence and biophysical properties (such as structural, functional, and spatial information, amino acid conservation, physicochemical variation, residue mobility, and thermodynamic stability) indicates that this missense variant is expected to disrupt RHO protein function with a positive predictive value of 95%. Experimental studies have shown that this missense change affects RHO function (PMID: 1924344, 12660238, 21352497). For these reasons, this variant has been classified as Pathogenic.

CeGaT Center for Human Genetics Tuebingen
Classification: Pathogenic. Last evaluated: 2023-04-01. Review status: criteria provided, single submitter. Criteria: CeGaT Center For Human Genetics Tuebingen Variant Classification Criteria Version 2. Collection method: clinical testing. Allele origin: germline. Affected: yes. Observed: 1 variant allele.
Comment: RHO: PP1:Strong, PM1, PM2, PS4:Moderate, PM5:Supporting, PS3:Supporting

Blueprint Genetics
Classification: Pathogenic for RHO-related disorders. Last evaluated: 2023-02-16. Review status: criteria provided, single submitter. Criteria: ACMG Guidelines, 2015. Collection method: clinical testing. Allele origin: germline. Affected: yes. Observed: 3 variant alleles.

Institute of Human Genetics, Univ. Regensburg, Univ. Regensburg
Classification: Pathogenic for Retinal dystrophy. Last evaluated: 2023-01-01. Review status: criteria provided, single submitter. Criteria: ACMG Guidelines, 2015. Collection method: clinical testing. Allele origin: germline. Affected: yes.

Dasa
Classification: Pathogenic for Pigmentary retinal dystrophy. Last evaluated: 2022-01-05. Review status: criteria provided, single submitter. Criteria: ACMG Guidelines, 2015. Collection method: clinical testing. Allele origin: germline. Affected: yes. Observed: 1 variant allele.
Comment: The c.266G>A;p.(Gly89Asp) missense variant has been observed in affected individual(s) and ClinVar contains an entry for this variant (Clinvar ID:13021; PMID: 1833777; 1862076; 1924344; 10967073; 12660238; 21352497) - PS4. Well-established in vitro or in vivo functional studies support a damaging effect on the gene or gene product (PMID: 1924344; 12660238; 21352497) - PS3_moderate. This variant is not present in population databases (rs104893772, gnomAD; ABraOM no frequency) - PM2. The variant co-segregated with disease in multiple affected family members (PMID: 1833777) - PP1. Multiple lines of computational evidence support a deleterious effect on the gene or gene product - PP3. In summary, the currently available evidence indicates that the variant is pathogenic.

Centre for Genomic Medicine, Manchester, Central Manchester University Hospitals
Classification: Pathogenic for Retinitis pigmentosa 4. Last evaluated: 2020-09-01. Review status: criteria provided, single submitter. Criteria: ACMG Guidelines, 2015. Collection method: clinical testing. Allele origin: germline. Affected: yes. Observed: 1 heterozygote.

Sharon lab, Hadassah-Hebrew University Medical Center
Classification: Likely pathogenic for Retinitis pigmentosa. Last evaluated: 2019-06-23. Review status: no assertion criteria provided. Collection method: research. Allele origin: inherited. Affected: yes. Not counted in ClinVar's aggregate classification.

OMIM
Classification: Pathogenic for RETINITIS PIGMENTOSA 4. Last evaluated: 1991-08-01. Review status: no assertion criteria provided. Collection method: literature only. Allele origin: germline. Not counted in ClinVar's aggregate classification.

Literature cited by the submitters: PubMed 1833777 (cited by Labcorp Genetics (formerly Invitae), Labcorp and Dasa); PubMed 1862076 (cited by 4 submitters); PubMed 10967073 (cited by Labcorp Genetics (formerly Invitae), Labcorp and Dasa); PubMed 1924344 (cited by Labcorp Genetics (formerly Invitae), Labcorp and Dasa); PubMed 12660238 (cited by 3 submitters); PubMed 21352497 (cited by 3 submitters); PubMed 21094163 (cited by Institute of Human Genetics, Univ. Regensburg, Univ. Regensburg); PubMed 31717845 (cited by Institute of Human Genetics, Univ. Regensburg, Univ. Regensburg); PubMed 30977563 (cited by Institute of Human Genetics, Univ. Regensburg, Univ. Regensburg); PubMed 31456290 (cited by Institute of Human Genetics, Univ. Regensburg, Univ. Regensburg); PubMed 33749171 (cited by Institute of Human Genetics, Univ. Regensburg, Univ. Regensburg); PubMed 12966518 (cited by Dasa); PubMed 20525296 (cited by Dasa); PubMed 21077204 (cited by Dasa); PubMed 21922596 (cited by Dasa).